The following is an entry in ClinVar:

ClinVar aggregate classification (germline): Benign. Review status: criteria provided, multiple submitters, no conflicts (2 of 4 stars). 12 submissions from 12 submitters: Benign (10). 2 of the submissions do not count toward it. Last evaluated 2026-02-04.

Conditions:
Tyrosinemia type I (TYRSN1). Also called: FAH DEFICIENCY; HEPATORENAL TYROSINEMIA; Deficiency of fumarylacetoacetase; Tyrosinemia type 1; Fumarylacetoacetase deficiency. Identifiers: Orphanet 882, MedGen C0268490, MONDO:0010161, OMIM 276700. Disease mechanism: loss of function.

Allele frequency attached by ClinVar (database versions not stated): 1000 Genomes Project 0.05970; 1000 Genomes Project 30x 0.06043; gnomAD 0.07433 and 0.07529; TOPMed 0.07641; ESP Exome Variant Server 0.08219.
gnomAD v4.1: 128,726 of 1,614,142 alleles (8%); highest among the groups gnomAD compares: South Asian, 8.9%; 5,166 homozygotes.

Submissions (12):

Labcorp Genetics (formerly Invitae), Labcorp
Classification: Benign for Tyrosinemia type I. Last evaluated: 2026-02-04. Review status: criteria provided, single submitter. Criteria: Invitae Variant Classification Sherloc (09022015). Collection method: clinical testing. Allele origin: germline.

Blueprint Genetics
Classification: Benign. Last evaluated: 2024-11-27. Review status: criteria provided, single submitter. Criteria: ACMG Guidelines, 2015. Collection method: clinical testing. Allele origin: germline.

Mayo Clinic Laboratories, Mayo Clinic
Classification: Benign. Last evaluated: 2022-05-05. Review status: criteria provided, single submitter. Criteria: ACMG Guidelines, 2015. Collection method: clinical testing. Allele origin: germline. Observed: 177 variant alleles.

Genome-Nilou Lab
Classification: Benign for Tyrosinemia type I. Last evaluated: 2021-06-10. Review status: criteria provided, single submitter. Criteria: ACMG Guidelines, 2015. Collection method: clinical testing. Allele origin: germline. Affected: no.

Illumina Laboratory Services, Illumina
Classification: Benign for Tyrosinemia type I. Last evaluated: 2018-01-13. Review status: criteria provided, single submitter. Criteria: ICSL Variant Classification Criteria 13 December 2019. Collection method: clinical testing. Allele origin: germline.
Comment: This variant was observed in the ICSL laboratory as part of a predisposition screen in an ostensibly healthy population. It had not been previously curated by ICSL or reported in the Human Gene Mutation Database (HGMD: prior to June 1st, 2018), and was therefore a candidate for classification through an automated scoring system. Utilizing variant allele frequency, disease prevalence and penetrance estimates, and inheritance mode, an automated score was calculated to assess if this variant is too frequent to cause the disease. Based on the score and internal cut-off values, a variant classified as benign is not then subjected to further curation. The score for this variant resulted in a classification of benign for this disease.

Women's Health and Genetics/Laboratory Corporation of America, LabCorp
Classification: Benign. Last evaluated: 2016-08-15. Review status: criteria provided, single submitter. Criteria: LabCorp Variant Classification Summary - May 2015. Collection method: clinical testing. Allele origin: germline.
Comment: Variant summary: The FAH c.267G>C (p.Leu89Leu) variant involves the alteration of a non-conserved nucleotide, resulting in a synonymous change. Mutation Taster predicts the variant to be a polymorphism. 5/5 splice prediction tools predict no significant impact on normal splicing, however no functional studies were published at the time of evaluation. This variant was found in 9078/121340 control chromosomes (including 353 homozygotes) at a frequency of 0.0748146, which is approximately 30 times the estimated maximal expected allele frequency of a pathogenic FAH variant (0.0025), suggesting this variant is likely a benign common polymorphism. In addition, one clinical diagnostic laboratory has classified this variant as benign. Taken together, this variant is classified as Benign.

GeneDx
Classification: Benign. Last evaluated: 2015-12-04. Review status: criteria provided, single submitter. Criteria: GeneDx Variant Classification (06012015). Collection method: clinical testing. Allele origin: germline. Affected: yes.
Comment: This variant is considered likely benign or benign based on one or more of the following criteria: it is a conservative change, it occurs at a poorly conserved position in the protein, it is predicted to be benign by multiple in silico algorithms, and/or has population frequency not consistent with disease.

Eurofins Ntd Llc (ga)
Classification: Benign. Last evaluated: 2012-10-01. Review status: criteria provided, single submitter. Criteria: EGL Classification Definitions 2015. Collection method: clinical testing. Allele origin: germline. Observed: 2 variant alleles, 2 heterozygotes.

Breakthrough Genomics
Classification: Benign. Review status: criteria provided, single submitter. Criteria: ACMG Guidelines, 2015. Collection method: not provided. Allele origin: germline. Inheritance: Autosomal recessive inheritance. Affected: yes.

PreventionGenetics, part of Exact Sciences
Classification: Benign. Review status: criteria provided, single submitter. Criteria: ACMG Guidelines, 2015. Collection method: clinical testing. Allele origin: germline.

Diagnostic Laboratory, Department of Genetics, University Medical Center Groningen
Classification: Benign for Tyrosinemia type I. Review status: no assertion criteria provided. Collection method: clinical testing. Allele origin: germline. Affected: yes. Study: VKGL Data-share Consensus. Not counted in ClinVar's aggregate classification.

Genome Diagnostics Laboratory, University Medical Center Utrecht
Classification: Likely benign. Review status: no assertion criteria provided. Collection method: clinical testing. Allele origin: germline. Affected: yes. Study: VKGL Data-share Consensus. Not counted in ClinVar's aggregate classification.

NM_000137.4(FAH):c.267G>C (p.Leu89=)

Gene: FAH (fumarylacetoacetate hydrolase; plus strand). Cytogenetic location: 15q25.1.
Variant type: single nucleotide variant.
Coding change: c.267G>C on transcript NM_000137.4 (MANE Select); coding-DNA position 267, G replaced by C.
Protein change: p.Leu89=; no amino-acid change (leucine 89 retained).
Molecular consequence: synonymous variant.
Genome position (GRCh38, 1-based): chr15:80,159,830, G>C. VCF-style: chr15-80159830-G-C. GRCh37 (hg19) VCF-style: chr15-80452172-G-C.
Other names: p.Leu89=; c.267G>C, p.Leu89= (NM_001374377.1, NM_001374380.1).
Identifiers: ClinVar variation 92444 (VCV000092444.24), dbSNP rs33929922, ClinGen allele CA145744.